The following is an entry in ClinVar:

NM_007294.4(BRCA1):c.5406+1G>T

Gene: BRCA1 (BRCA1 DNA repair associated; minus strand). Cytogenetic location: 17q21.31.
Variant type: single nucleotide variant.
Coding change: c.5406+1G>T on transcript NM_007294.4 (MANE Select); the canonical splice donor site of the intron after coding-DNA position 5406, G replaced by T.
Molecular consequence: splice donor variant. On other transcripts: intron variant (19).
Genome position (GRCh38, 1-based): chr17:43,049,120, C>A on the plus strand (G>T on the coding strand, the complement: BRCA1 is on the minus strand). VCF-style: chr17-43049120-C-A. GRCh37 (hg19) VCF-style: chr17-41201137-C-A.
Other names: c.4515+1G>T (NM_001407967.1); c.5025+1G>T (NM_001407959.1); c.5139+1G>T (NM_001407931.1, NM_001407932.1, NM_001407928.1 and 4 more transcripts); c.5262+1G>T (NM_001407747.1, NM_001407745.1, NM_001407737.1 and 18 more transcripts); c.5022+1G>T (NM_001407962.1, NM_001407960.1); c.1593+1G>T (NM_001408512.1); c.1716+1G>T (NM_001408510.1); c.5196+1G>T (NM_001407885.1, NM_001407886.1, NM_001407881.1 and 5 more transcripts); and 84 more.
Identifiers: ClinVar variation 868428 (VCV000868428.5), dbSNP rs80358028, ClinGen allele CA10590664.

ClinVar aggregate classification (germline): Pathogenic (1 of 4 stars; one submission).

Submissions (2):

Center for Genomic Medicine, Rigshospitalet, Copenhagen University Hospital
Classification: Pathogenic. Last evaluated: 2025-03-04. Review status: criteria provided, single submitter. Criteria: ACMG Guidelines, 2015. Collection method: clinical testing. Allele origin: germline.

Brotman Baty Institute, University of Washington
No classification provided (evidence only). Condition: Breast-ovarian cancer, familial 1. Review status: no classification provided. Collection method: in vitro. Allele origin: not applicable. Functional consequence: functionally_abnormal. Not counted in ClinVar's aggregate classification.
ClinVar note: "not provided" was previously submitted as the classification for the variant. However, the classification appeared to be based only on an observation of functional data so it was converted to no classification on 2025-07-30.

Literature cited by the submitters: PubMed 30209399 (cited by Center for Genomic Medicine, Rigshospitalet, Copenhagen University Hospital).